The following is an entry in ClinVar:

ClinVar aggregate classification (germline): Likely pathogenic. Review status: criteria provided, multiple submitters, no conflicts (2 of 4 stars). 3 submissions from 3 submitters: Likely pathogenic (3). Last evaluated 2026-01-24.

Conditions:
Dilated cardiomyopathy 1G (CMD1G). Identifiers: Orphanet 154, MedGen C1858763, MONDO:0011400, OMIM 604145.
Autosomal recessive limb-girdle muscular dystrophy type 2J (LGMDR10). Also called: Limb-girdle muscular dystrophy, type 2J; MUSCULAR DYSTROPHY, LIMB-GIRDLE, AUTOSOMAL RECESSIVE 10. Identifiers: Orphanet 140922, MedGen C1837342, MONDO:0012127, OMIM 608807.
Cardiovascular phenotype. Identifiers: MedGen CN230736.

Submissions (3):

Labcorp Genetics (formerly Invitae), Labcorp
Classification: Likely pathogenic for Dilated cardiomyopathy 1G; Autosomal recessive limb-girdle muscular dystrophy type 2J. Last evaluated: 2026-01-24. Review status: criteria provided, single submitter. Criteria: Invitae Variant Classification Sherloc (09022015). Collection method: clinical testing. Allele origin: germline.
Comment: This sequence change creates a premature translational stop signal (p.Asn32651*) in the TTN gene. While this is not anticipated to result in nonsense mediated decay, it is expected to create a truncated TTN protein. This variant is not present in population databases (gnomAD no frequency). This variant has not been reported in the literature in individuals affected with TTN-related conditions. ClinVar contains an entry for this variant (Variation ID: 1068439). This variant is located in the A band of TTN (PMID: 25589632). Truncating variants in this region are significantly overrepresented in patients affected with dilated cardiomyopathy (PMID: 25589632). Truncating variants in this region have also been reported in individuals affected with autosomal recessive centronuclear myopathy (PMID: 23975875). In summary, the currently available evidence indicates that the variant is pathogenic, but additional data are needed to prove that conclusively. Therefore, this variant has been classified as Likely Pathogenic.

Ambry Genetics
Classification: Likely pathogenic for Cardiovascular phenotype. Last evaluated: 2025-07-10. Review status: criteria provided, single submitter. Criteria: Ambry Variant Classification Scheme 2023. Collection method: clinical testing. Allele origin: germline.
Comment: The c.70755dupT variant, located in coding exon 178 of the TTN gene, results from a duplication of T at nucleotide position 70755, causing a translational frameshift with a predicted alternate stop codon (p.N23586*). This exon is located in the A-band region of the N2-B isoform of the titin protein and is constitutively expressed in TTN transcripts (percent spliced in or PSI 100%). This variant was reported in individual(s) with features consistent with dilated cardiomyopathy (Ambry internal data). This variant is considered to be rare based on population cohorts in the Genome Aggregation Database (gnomAD). This variant is expected to result in loss of function by premature protein truncation or nonsense-mediated mRNA decay. While truncating variants in TTN are present in 1-3% of the general population, truncating variants in the A-band are the most common cause of dilated cardiomyopathy (Herman DS et al. N. Engl. J. Med., 2012 Feb;366:619-28; Roberts AM et al. Sci Transl Med, 2015 Jan;7:270ra6). TTN truncating variants encoded in constitutive exons (PSI >90%) have been found to be significantly associated with DCM regardless of their position in titin (Schafer S et al. Nat. Genet., 2017 01;49:46-53; Akhtar MM et al. Circ Heart Fail, 2020 Oct;13:e006832; Massier M et al. Clin Genet, 2025 Jan). Based on the majority of available evidence to date, this variant is likely to be pathogenic.

GeneDx
Classification: Likely pathogenic. Last evaluated: 2022-10-07. Review status: criteria provided, single submitter. Criteria: GeneDx Variant Classification Process June 2021. Collection method: clinical testing. Allele origin: germline. Affected: yes.
Comment: Nonsense variant predicted to result in protein truncation or nonsense mediated decay in a gene for which loss of function is a known mechanism of disease; Located in the A-band region of TTN in which the majority of loss of function variants have been associated with autosomal dominant titinopathies (Herman et al., 2012); Not observed at significant frequency in large population cohorts (gnomAD); Has not been previously published as pathogenic or benign to our knowledge; This variant is associated with the following publications: (PMID: 22335739)

Literature cited by the submitters: PubMed 25589632 (cited by Labcorp Genetics (formerly Invitae), Labcorp); PubMed 23975875 (cited by Labcorp Genetics (formerly Invitae), Labcorp).

NM_001267550.2(TTN):c.97950dup (p.Asn32651Ter)

Genes: TTN-AS1 (TTN antisense RNA 1; plus strand), TTN (titin; minus strand). Cytogenetic location: 2q31.2.
Variant type: Duplication.
Coding change: c.97950dup on transcript NM_001267550.2 (MANE Select); coding-DNA position 97950, one base duplicated (T; older notation c.97950dupT).
Protein change: p.Asn32651Ter; replaces asparagine 32651 with a stop codon.
Molecular consequence: nonsense.
Genome position (GRCh38, 1-based): chr2:178,540,216, A duplicated on the plus strand (T on the coding strand, the reverse complement: TTN is on the minus strand). VCF-style (leftmost placement, unchanged base first): chr2-178540215-T-TA. GRCh37 (hg19) VCF-style: chr2-179404942-T-TA.
Other names: c.93027dup, p.Asn31010Ter (NM_001256850.1); c.70755dup, p.Asn23586Ter (NM_003319.4); c.90246dup, p.Asn30083Ter (NM_133378.4); c.71130dup, p.Asn23711Ter (NM_133432.3); c.71331dup, p.Asn23778Ter (NM_133437.4); c.70755dupT (NM_003319.4); c.97950dup (NM_001267550.1); short protein forms N23586*, N23711*, N23778*, N30083*, N31010*, N32651*.
Identifiers: ClinVar variation 1068439 (VCV001068439.10), dbSNP rs2154140546, ClinGen allele CA2499215303.
Genomic context (GRCh38, chr2:178,540,215, plus strand): 5'-ATTCTGCACCCTGAGGTAGGTGTGTTAGAGTATACTCTCGAATCTTGGTTGGAGTGGTGT[T>TA]ACACTTGGTCCATTCATGTTGATCTACTTTTTGCATTTCAATCAAGTAGCCTGTGACTTT-3'